The following is an entry in ClinVar:

NM_000426.4(LAMA2):c.4198C>T (p.Arg1400Ter)

Gene: LAMA2 (laminin subunit alpha 2; plus strand). Cytogenetic location: 6q22.33.
Variant type: single nucleotide variant.
Coding change: c.4198C>T on transcript NM_000426.4 (MANE Select); coding-DNA position 4198, C replaced by T.
Protein change: p.Arg1400Ter; replaces arginine 1400 with a stop codon.
Molecular consequence: nonsense.
Genome position (GRCh38, 1-based): chr6:129,328,299, C>T. VCF-style: chr6-129328299-C-T. GRCh37 (hg19) VCF-style: chr6-129649444-C-T.
Other names: c.4198C>T, p.Arg1400Ter (NM_001079823.2); short protein forms R1400*.
Identifiers: ClinVar variation 557566 (VCV000557566.31), dbSNP rs775112258, ClinGen allele CA3993478.

ClinVar aggregate classification (germline): Pathogenic. Review status: criteria provided, multiple submitters, no conflicts (2 of 4 stars). 7 submissions from 7 submitters: Pathogenic (6). 1 of the submissions does not count toward it. Last evaluated 2025-10-14.

Conditions:
LAMA2-related muscular dystrophy (LAMA2-RD). Also called: Laminin alpha 2-related dystrophy. Identifiers: MedGen C5679788, MONDO:0100228.
Merosin deficient congenital muscular dystrophy (MDC1A). Also called: Congenital Muscular Dystrophy Type 1A (MDC1A); Congenital merosin-deficient muscular dystrophy 1A. Identifiers: Orphanet 258, MedGen C1263858, MONDO:0011925, OMIM 607855.

Allele frequency attached by ClinVar (database versions not stated): gnomAD exomes below 0.00001; ExAC 0.00001.
gnomAD v4.1: 9 of 1,614,118 alleles (0.00056%); highest among the groups gnomAD compares: East Asian, 0.0022%; no homozygotes.

Submissions (7):

Labcorp Genetics (formerly Invitae), Labcorp
Classification: Pathogenic for LAMA2-related muscular dystrophy. Last evaluated: 2025-10-14. Review status: criteria provided, single submitter. Criteria: Invitae Variant Classification Sherloc (09022015). Collection method: clinical testing. Allele origin: germline.
Comment: This sequence change creates a premature translational stop signal (p.Arg1400*) in the LAMA2 gene. It is expected to result in an absent or disrupted protein product. Loss-of-function variants in LAMA2 are known to be pathogenic (PMID: 18700894, 32904964). This variant is present in population databases (rs775112258, gnomAD 0.003%). This premature translational stop signal has been observed in individuals with congenital muscular dystrophy (PMID: 24225367). ClinVar contains an entry for this variant (Variation ID: 557566). For these reasons, this variant has been classified as Pathogenic.

Women's Health and Genetics/Laboratory Corporation of America, LabCorp
Classification: Pathogenic for LAMA2-related muscular dystrophy. Last evaluated: 2024-12-11. Review status: criteria provided, single submitter. Criteria: LabCorp Variant Classification Summary - May 2015. Collection method: clinical testing. Allele origin: germline.
Comment: Variant summary: LAMA2 c.4198C>T (p.Arg1400X) results in a premature termination codon, predicted to cause a truncation of the encoded protein or absence of the protein due to nonsense mediated decay, which are commonly known mechanisms for disease. The variant allele was found at a frequency of 4e-06 in 251330 control chromosomes (gnomAD). c.4198C>T has been reported in the literature in at least an individual affected with Laminin alpha 2-related dystrophy (example: Diaz-Lombana_2023). The following publication have been ascertained in the context of this evaluation (PMID: 37415604). ClinVar contains an entry for this variant (Variation ID: 557566). Based on the evidence outlined above, the variant was classified as pathogenic.

CeGaT Center for Human Genetics Tuebingen
Classification: Pathogenic. Last evaluated: 2024-10-01. Review status: criteria provided, single submitter. Criteria: CeGaT Center For Human Genetics Tuebingen Variant Classification Criteria Version 2. Collection method: clinical testing. Allele origin: germline. Affected: yes. Observed: 1 variant allele.
Comment: LAMA2: PVS1, PM3:Strong, PM2

Baylor Genetics
Classification: Pathogenic for Merosin deficient congenital muscular dystrophy. Last evaluated: 2024-03-20. Review status: criteria provided, single submitter. Criteria: ACMG Guidelines, 2015. Collection method: clinical testing. Allele origin: unknown.

GeneDx
Classification: Pathogenic. Last evaluated: 2023-08-14. Review status: criteria provided, single submitter. Criteria: GeneDx Variant Classification Process June 2021. Collection method: clinical testing. Allele origin: germline. Affected: yes.
Comment: Nonsense variant predicted to result in protein truncation or nonsense mediated decay in a gene for which loss of function is a known mechanism of disease; Not observed at significant frequency in large population cohorts (gnomAD); This variant is associated with the following publications: (PMID: 31589614, 26039597, 24225367, 35924034, 37415604, 31069529)

Revvity Omics, Revvity
Classification: Pathogenic. Last evaluated: 2020-02-06. Review status: criteria provided, single submitter. Criteria: ACMG Guidelines, 2015. Collection method: clinical testing. Allele origin: germline.

Counsyl
Classification: Likely pathogenic for Merosin deficient congenital muscular dystrophy. Last evaluated: 2018-04-04. Review status: no assertion criteria provided. Collection method: clinical testing. Allele origin: unknown. Not counted in ClinVar's aggregate classification.

Literature cited by the submitters: PubMed 18700894 (cited by Labcorp Genetics (formerly Invitae), Labcorp); PubMed 32904964 (cited by Labcorp Genetics (formerly Invitae), Labcorp); PubMed 24225367 (cited by Labcorp Genetics (formerly Invitae), Labcorp and Counsyl); PubMed 37415604 (cited by Women's Health and Genetics/Laboratory Corporation of America, LabCorp).